The following is an entry in ClinVar:

ClinVar aggregate classification (germline): Uncertain significance (1 of 4 stars; one submission).

Conditions:
Hereditary sensory and autonomic neuropathy type 7. Also called: HSAN VII; Neuropathy, hereditary sensory and autonomic, type VII. Identifiers: Orphanet 391397, MedGen C3809882, MONDO:0014244, OMIM 615548.
Familial episodic pain syndrome with predominantly lower limb involvement. Also called: Episodic pain syndrome, familial, 3. Identifiers: Orphanet 391384, Orphanet 391392, MedGen C3809899, MONDO:0014247, OMIM 615552.

Allele frequency attached by ClinVar (database versions not stated): gnomAD exomes below 0.00001; TOPMed below 0.00001.
gnomAD v4.1: 4 of 1,614,152 alleles (0.00025%); highest among the groups gnomAD compares: Non-Finnish European, 0.00017%; no homozygotes.

Submission:

Labcorp Genetics (formerly Invitae), Labcorp
Classification: Uncertain significance for Familial episodic pain syndrome with predominantly lower limb involvement; Hereditary sensory and autonomic neuropathy type 7. Last evaluated: 2025-12-03. Review status: criteria provided, single submitter. Criteria: Invitae Variant Classification Sherloc (09022015). Collection method: clinical testing. Allele origin: germline.
Comment: This sequence change replaces cysteine, which is neutral and slightly polar, with arginine, which is basic and polar, at codon 1774 of the SCN11A protein (p.Cys1774Arg). This variant is not present in population databases (gnomAD no frequency). This variant has not been reported in the literature in individuals affected with SCN11A-related conditions. ClinVar contains an entry for this variant (Variation ID: 2935086). An algorithm developed to predict the effect of missense changes on protein structure and function (PolyPhen-2) suggests that this variant is likely to be disruptive. In summary, the available evidence is currently insufficient to determine the role of this variant in disease. Therefore, it has been classified as a Variant of Uncertain Significance.

NM_001349253.2(SCN11A):c.5320T>C (p.Cys1774Arg)

Gene: SCN11A (sodium voltage-gated channel alpha subunit 11; minus strand). Cytogenetic location: 3p22.2.
Variant type: single nucleotide variant.
Coding change: c.5320T>C on transcript NM_001349253.2 (MANE Select); coding-DNA position 5320, T replaced by C.
Protein change: p.Cys1774Arg; replaces cysteine 1774 with arginine.
Molecular consequence: missense variant.
Genome position (GRCh38, 1-based): chr3:38,846,750, A>G on the plus strand (T>C on the coding strand, the complement: SCN11A is on the minus strand). VCF-style: chr3-38846750-A-G. GRCh37 (hg19) VCF-style: chr3-38888241-A-G.
Other names: c.5320T>C, p.Cys1774Arg (NM_014139.3); short protein forms C1774R.
Identifiers: ClinVar variation 2935086 (VCV002935086.3), dbSNP rs2064670816, ClinGen allele CA352159029.